The following is an entry in ClinVar:

ClinVar aggregate classification (germline): Uncertain significance (1 of 4 stars; one submission).

Conditions:
Singleton-Merten syndrome 1 (SGMRT1). Also called: Syndrome of widened medullary cavities of the metacarpals and phalanges, aortic calcification and abnormal dentition; Widened medullary cavities of bone, aortic calcification, abnormal dentition, and muscular weakness. Identifiers: Orphanet 85191, MedGen C4225427, MONDO:0024535, OMIM 182250.
Aicardi-Goutieres syndrome 7 (AGS7). Identifiers: Orphanet 51, MedGen C3888244, MONDO:0014367, OMIM 615846.

gnomAD v4.1: 2 of 1,611,282 alleles (0.00012%); highest among the groups gnomAD compares: Non-Finnish European, 0.00017%; no homozygotes.

Submission:

Labcorp Genetics (formerly Invitae), Labcorp
Classification: Uncertain significance for Aicardi-Goutieres syndrome 7; Singleton-Merten syndrome 1. Last evaluated: 2025-04-28. Review status: criteria provided, single submitter. Criteria: Invitae Variant Classification Sherloc (09022015). Collection method: clinical testing. Allele origin: germline.
Comment: This sequence change replaces histidine, which is basic and polar, with glutamine, which is neutral and polar, at codon 505 of the IFIH1 protein (p.His505Gln). This variant is present in population databases (no rsID available, gnomAD 0.0009%). This variant has not been reported in the literature in individuals affected with IFIH1-related conditions. ClinVar contains an entry for this variant (Variation ID: 1484117). Invitae Evidence Modeling of protein sequence and biophysical properties (such as structural, functional, and spatial information, amino acid conservation, physicochemical variation, residue mobility, and thermodynamic stability) has been performed for this missense variant. However, the output from this modeling did not meet the statistical confidence thresholds required to predict the impact of this variant on IFIH1 protein function. In summary, the available evidence is currently insufficient to determine the role of this variant in disease. Therefore, it has been classified as a Variant of Uncertain Significance.

NM_022168.4(IFIH1):c.1515C>G (p.His505Gln)

Gene: IFIH1 (interferon induced with helicase C domain 1; minus strand). Cytogenetic location: 2q24.2.
Variant type: single nucleotide variant.
Coding change: c.1515C>G on transcript NM_022168.4 (MANE Select); coding-DNA position 1515, C replaced by G.
Protein change: p.His505Gln; replaces histidine 505 with glutamine.
Molecular consequence: missense variant.
Genome position (GRCh38, 1-based): chr2:162,281,337, G>C on the plus strand (C>G on the coding strand, the complement: IFIH1 is on the minus strand). VCF-style: chr2-162281337-G-C. GRCh37 (hg19) VCF-style: chr2-163137847-G-C.
Other names: short protein forms H505Q.
Identifiers: ClinVar variation 1484117 (VCV001484117.6), dbSNP rs147738489, ClinGen allele CA349001996.
Genomic context (GRCh38, chr2:162,281,337, plus strand): 5'-GCATTTGTTTTAGCTTTGCTTTCATTGGTTATACATAAAATTATGACTTACTTTTAAAAT[G>C]TGTTCTTCAGCTTTGGCTTGCTTCGTGGCCCCTCCAACACCAGGTGAAGCTGTTAGTCCC-3'
Protein context (NP_071451.2, residues 495-515): GATKQAKAEE[His505Gln]ILKLCANLDA